The following is an entry in ClinVar:

ClinVar aggregate classification (germline): Conflicting classifications of pathogenicity. Review status: criteria provided, conflicting classifications (1 of 4 stars). 2 submissions from 2 submitters: Uncertain significance (1); Likely benign (1). Last evaluated 2025-11-03.

Conditions:
Inborn genetic diseases. Identifiers: MedGen C0950123, MeSH D030342.

Allele frequency attached by ClinVar (database versions not stated): gnomAD exomes 0.00007; ExAC 0.00013; ESP Exome Variant Server 0.00031; 1000 Genomes Project 30x 0.00047; gnomAD 0.00047; 1000 Genomes Project 0.00060; TOPMed 0.00060.

Submissions (2):

Labcorp Genetics (formerly Invitae), Labcorp
Classification: Uncertain significance. Last evaluated: 2025-11-03. Review status: criteria provided, single submitter. Criteria: Invitae Variant Classification Sherloc (09022015). Collection method: clinical testing. Allele origin: germline.
Comment: This sequence change replaces alanine, which is neutral and non-polar, with threonine, which is neutral and polar, at codon 529 of the DHX37 protein (p.Ala529Thr). This variant is present in population databases (rs142965739, gnomAD 0.1%). This variant has not been reported in the literature in individuals affected with DHX37-related conditions. ClinVar contains an entry for this variant (Variation ID: 2070002). Invitae Evidence Modeling of protein sequence and biophysical properties (such as structural, functional, and spatial information, amino acid conservation, physicochemical variation, residue mobility, and thermodynamic stability) indicates that this missense variant is not expected to disrupt DHX37 protein function with a negative predictive value of 80%. In summary, the available evidence is currently insufficient to determine the role of this variant in disease. Therefore, it has been classified as a Variant of Uncertain Significance.

Ambry Genetics
Classification: Likely benign for Inborn genetic diseases. Last evaluated: 2024-01-08. Review status: criteria provided, single submitter. Criteria: Ambry Variant Classification Scheme 2023. Collection method: clinical testing. Allele origin: germline.

NM_032656.4(DHX37):c.1585G>A (p.Ala529Thr)

Gene: DHX37 (DEAH-box helicase 37; minus strand). Cytogenetic location: 12q24.31.
Variant type: single nucleotide variant.
Coding change: c.1585G>A on transcript NM_032656.4 (MANE Select); coding-DNA position 1585, G replaced by A.
Protein change: p.Ala529Thr; replaces alanine 529 with threonine.
Molecular consequence: missense variant.
Genome position (GRCh38, 1-based): chr12:124,966,798, C>T on the plus strand (G>A on the coding strand, the complement: DHX37 is on the minus strand). VCF-style: chr12-124966798-C-T. GRCh37 (hg19) VCF-style: chr12-125451344-C-T.
Other names: c.1585G>A (NM_032656.3); short protein forms A529T.
Identifiers: ClinVar variation 2070002 (VCV002070002.5), dbSNP rs142965739, ClinGen allele CA6871965.
Genomic context (GRCh38, chr12:124,966,798, plus strand): 5'-CATCCTGGACAACGCAGCCTTACTCTCCAGGAGTCCCTGCCAGCCCCCCACGTACCTCAG[C>T]CCGCGCCTTCTTGGCCCTGGCCCTTGACTTCTTAAACTTCCGCATTTCCTCCACCGAGTC-3'
Protein context (NP_116045.2, residues 519-539): KSRARAKKAR[Ala529Thr]EVLPQINLDH